The following is an entry in ClinVar:

NM_001734.5(C1S):c.1923dup (p.Asn642fs)

Gene: C1S (complement C1s; plus strand). Cytogenetic location: 12p13.31.
Variant type: Duplication.
Coding change: c.1923dup on transcript NM_001734.5 (MANE Select); coding-DNA position 1923, one base duplicated (C; older notation c.1923dupC).
Protein change: p.Asn642fs; shifts the reading frame from asparagine 642.
Molecular consequence: frameshift variant.
Genome position (GRCh38, 1-based): chr12:7,070,507, C duplicated; the last of 3 consecutive C bases (chr12:7,070,505-7,070,507); duplicating any one gives the same sequence. VCF-style (leftmost placement, unchanged base first): chr12-7070504-T-TC. GRCh37 (hg19) VCF-style: chr12-7177808-T-TC.
Other names: c.1422dup, p.Asn475fs (NM_001346850.2); c.1923dup, p.Asn642fs (NM_201442.4); short protein forms N642fs, N475fs.
Identifiers: ClinVar variation 2770367 (VCV002770367.3), dbSNP rs1185285395, ClinGen allele CA691427462.

ClinVar aggregate classification (germline): Uncertain significance (1 of 4 stars; one submission).

Submission:

Labcorp Genetics (formerly Invitae), Labcorp
Classification: Uncertain significance. Last evaluated: 2023-10-20. Review status: criteria provided, single submitter. Criteria: Invitae Variant Classification Sherloc (09022015). Collection method: clinical testing. Allele origin: germline.
Comment: This sequence change creates a premature translational stop signal (p.Asn642Glnfs*2) in the C1S gene. While this is not anticipated to result in nonsense mediated decay, it is expected to disrupt the last 47 amino acid(s) of the C1S protein. This variant is not present in population databases (gnomAD no frequency). This variant has not been reported in the literature in individuals affected with C1S-related conditions. Experimental studies and prediction algorithms are not available or were not evaluated, and the functional significance of this variant is currently unknown. In summary, the available evidence is currently insufficient to determine the role of this variant in disease. Therefore, it has been classified as a Variant of Uncertain Significance.